The following is an entry in ClinVar:

NM_181523.3(PIK3R1):c.1376_1378del (p.Lys459del)

Gene: PIK3R1 (phosphoinositide-3-kinase regulatory subunit 1; plus strand). Cytogenetic location: 5q13.1.
Variant type: Deletion.
Coding change: c.1376_1378del on transcript NM_181523.3 (MANE Select); coding-DNA positions 1376 to 1378, 3 bases deleted (AAA; older notation c.1376_1378delAAA).
Protein change: p.Lys459del; deletes lysine 459.
Genome position (GRCh38, 1-based): chr5:68,293,785-68,293,787, AAA deleted; deleting any 3 consecutive bases within chr5:68,293,782-68,293,787 gives the same sequence; the c. name uses the placement nearest the transcript's 3' end. VCF-style (leftmost placement, unchanged base first): chr5-68293781-GAAA-G. GRCh37 (hg19) VCF-style: chr5-67589609-GAAA-G.
Other names: c.287_289del, p.Lys96del (NM_001242466.2); c.566_568del, p.Lys189del (NM_181504.4); c.476_478del, p.Lys159del (NM_181524.2); short protein forms K159del, K189del, K459del, K96del.
Identifiers: ClinVar variation 4530382 (VCV004530382.1).

ClinVar aggregate classification (somatic clinical impact): Tier II - Potential (1 of 4 stars; one submission).

Conditions:
Epithelial-myoepithelial carcinoma. Identifiers: MedGen C0334392, MONDO:0003389.

Submission:

Institute for Genomic Medicine (IGM) Clinical Laboratory, Nationwide Children's Hospital
Classification: Tier II - Potential for Epithelial-myoepithelial carcinoma. Assertion type: diagnostic. Clinical significance: supports diagnosis. Last evaluated: 2023-12-26. Review status: criteria provided, single submitter. Criteria: AMP/ASCO/CAP Guidelines, 2017. Collection method: clinical testing. Allele origin: somatic. Affected: yes.
Comment: Variant has Tier II (potential) clinical significance as a diagnostic inclusion criterion in epithelial-myoepithelial carcinoma, based on the following evidence: 1) Documented in one or more cancer databases (e.g., St. Jude Pecan, COSMIC, CIViC, OncoKB). 2) Information in the literature supports potential biologic effect of variant (PMID: 20713702). 3) Diagnostic significance based on multiple small studies (Evidence Level C; PMIDs: 26053092, 29135520, 30994537).

Literature cited by the submitters: PubMed 20713702; PubMed 26053092; PubMed 29135520; PubMed 30994537.